The following is an entry in ClinVar:

ClinVar aggregate classification (germline): Likely pathogenic (1 of 4 stars; one submission).

Conditions:
Basal ganglia calcification, idiopathic, 7, autosomal recessive. Also called: PRIMARY FAMILIAL BRAIN CALCIFICATION 7, AUTOSOMAL RECESSIVE. Identifiers: MedGen C5193025, MONDO:0032673, OMIM 618317.

Allele frequency attached by ClinVar (database versions not stated): ExAC 0.00001; gnomAD exomes 0.00001.
gnomAD v4.1: 3 of 1,608,546 alleles (0.00019%); highest among the groups gnomAD compares: Non-Finnish European, 0.000085%; no homozygotes.

Submission:

Victorian Clinical Genetics Services, Murdoch Childrens Research Institute
Classification: Likely pathogenic for Basal ganglia calcification, idiopathic, 7, autosomal recessive. Last evaluated: 2021-05-06. Review status: criteria provided, single submitter. Criteria: ACMG Guidelines, 2015. Collection method: clinical testing. Allele origin: germline. Inheritance: Autosomal recessive inheritance. Affected: yes.
Comment: Based on the classification scheme VCGS_Germline_v1.3.4, this variant is classified as Likely pathogenic. Following criteria are met: 0102 - Loss of function is a known mechanism of disease in this gene and is associated with idiopathic basal ganglia calcification 7 (MIM#618317). (I) 0106 - This gene is associated with autosomal recessive disease. (I) 0205 - Variant is predicted to result in a truncated protein (premature termination codon is NOT located at least 54 nucleotides upstream of the final exon-exon junction) with less than 1/3 of the protein sequence affected. (SP) 0252 - This variant is homozygous. (I) 0301 - Variant is absent from gnomAD (both v2 and v3). (SP) 0600 - Variant is located in the annotated glycosidase domain (PMID: 32211515). (I) 0704 - Another truncating variant and multiple missense variants downstream to the one identified in this case have been reported in individuals with primary familial brain calcification (PMID: 31440850, 32211515). (SP) 0807 - This variant has no previous evidence of pathogenicity. (I) 0905 - No published segregation evidence has been identified for this variant. (I) 1007 - No published functional evidence has been identified for this variant. (I) 1102 - Strong phenotype match for this individual. (SP) 1208 - Inheritance information for this variant is not currently available in this individual. (I) Legend: (SP) - Supporting pathogenic, (I) - Information, (SB) - Supporting benign

Literature cited by the submitters: PubMed 31440850; PubMed 32211515.

NM_020702.5(MYORG):c.1788C>G (p.Tyr596Ter)

Gene: MYORG (myogenesis regulating glycosidase; minus strand). Cytogenetic location: 9p13.3.
Variant type: single nucleotide variant.
Coding change: c.1788C>G on transcript NM_020702.5 (MANE Select); coding-DNA position 1788, C replaced by G.
Protein change: p.Tyr596Ter; replaces tyrosine 596 with a stop codon.
Molecular consequence: nonsense.
Genome position (GRCh38, 1-based): chr9:34,371,156, G>C on the plus strand (C>G on the coding strand, the complement: MYORG is on the minus strand). VCF-style: chr9-34371156-G-C. GRCh37 (hg19) VCF-style: chr9-34371154-G-C.
Other names: short protein forms Y596*.
Identifiers: ClinVar variation 1804977 (VCV001804977.1), dbSNP rs772374648, ClinGen allele CA5032834.